The following is an entry in ClinVar:

NM_014254.3(RXYLT1):c.170-335G>T

Gene: RXYLT1 (ribitol xylosyltransferase 1; plus strand). Cytogenetic location: 12q14.2.
Variant type: single nucleotide variant.
Coding change: c.170-335G>T on transcript NM_014254.3 (MANE Select); 335 bases into the intron before coding-DNA position 170, G replaced by T.
Molecular consequence: intron variant.
Genome position (GRCh38, 1-based): chr12:63,780,684, G>T. VCF-style: chr12-63780684-G-T. GRCh37 (hg19) VCF-style: chr12-64174464-G-T.
Other names: c.-612+222G>T (NM_001278237.2).
Identifiers: ClinVar variation 1691170 (VCV001691170.2), dbSNP rs111577591, ClinGen allele CA238224092.

ClinVar aggregate classification (germline): Likely benign (1 of 4 stars; one submission).

Allele frequency attached by ClinVar (database versions not stated): 1000 Genomes Project 0.00679; 1000 Genomes Project 30x 0.00687.
gnomAD v4.1: 1,032 of 152,274 alleles (0.68%); highest among the groups gnomAD compares: African/African-American, 2.3%; 17 homozygotes.

Submission:

GeneDx
Classification: Likely benign. Last evaluated: 2021-12-01. Review status: criteria provided, single submitter. Criteria: GeneDx Variant Classification Process June 2021. Collection method: clinical testing. Allele origin: germline. Affected: yes.
Comment: See Variant Classification Assertion Criteria.